The following is an entry in ClinVar:

ClinVar aggregate classification (germline): Uncertain significance (1 of 4 stars; one submission).

Submission:

Labcorp Genetics (formerly Invitae), Labcorp
Classification: Uncertain significance. Last evaluated: 2023-01-12. Review status: criteria provided, single submitter. Criteria: Invitae Variant Classification Sherloc (09022015). Collection method: clinical testing. Allele origin: germline.
Comment: In summary, the available evidence is currently insufficient to determine the role of this variant in disease. Therefore, it has been classified as a Variant of Uncertain Significance. Algorithms developed to predict the effect of missense changes on protein structure and function are either unavailable or do not agree on the potential impact of this missense change (SIFT: "Deleterious"; PolyPhen-2: "Not Available"; Align-GVGD: "Class C65"). This variant has not been reported in the literature in individuals affected with CYFIP2-related conditions. This variant is not present in population databases (gnomAD no frequency). This sequence change replaces arginine, which is basic and polar, with glycine, which is neutral and non-polar, at codon 725 of the CYFIP2 protein (p.Arg725Gly).

NM_001037333.3(CYFIP2):c.2173C>G (p.Arg725Gly)

Gene: CYFIP2 (cytoplasmic FMR1 interacting protein 2; plus strand). Cytogenetic location: 5q33.3.
Variant type: single nucleotide variant.
Coding change: c.2173C>G on transcript NM_001037333.3 (MANE Select); coding-DNA position 2173, C replaced by G.
Protein change: p.Arg725Gly; replaces arginine 725 with glycine.
Molecular consequence: missense variant.
Genome position (GRCh38, 1-based): chr5:157,330,758, C>G. VCF-style: chr5-157330758-C-G. GRCh37 (hg19) VCF-style: chr5-156757766-C-G.
Other names: c.2095C>G, p.Arg699Gly (NM_001291721.2); c.2248C>G, p.Arg750Gly (NM_001291722.2); c.2173C>G, p.Arg725Gly (NM_014376.4); short protein forms R725G, R750G, R699G.
Identifiers: ClinVar variation 2827798 (VCV002827798.3), dbSNP rs535692197, ClinGen allele CA361970883.